The following is an entry in ClinVar:

ClinVar aggregate classification (germline): Pathogenic (1 of 4 stars; one submission).

Submission:

Clinical Genomics Laboratory, Laboratory for Precision Diagnostics, University of Washington
Classification: Pathogenic. Last evaluated: 2025-04-24. Review status: criteria provided, single submitter. Criteria: ACMG/ClinGen CNV Guidelines, 2019. Collection method: clinical testing. Allele origin: paternal. Affected: yes. Observed: 1 variant allele.
Comment: This interstitial duplication is approximately 620 kb in size and contains 30 protein-coding genes. It contains the entirety of the proximal 16p11.2 (BP4-BP5) recurrent microduplication, which is established to be pathogenic but with variable expressivity and incomplete penetrance.

Literature cited by the submitters: PubMed 39048645; PubMed 38948459; PubMed 32993859.

GRCh38/hg38 16p11.2(chr16:29584157-30204300)x3

Genes: MAPK3 (mitogen-activated protein kinase 3; minus strand), MAZ (MYC associated zinc finger protein; plus strand), MIR3680-2 (microRNA 3680-2; minus strand), MVP (major vault protein; plus strand), MVP-DT (MVP divergent transcript; minus strand) and 108 more. Cytogenetic location: 16p11.2.
Variant type: copy number gain.
Change: copy number 3 (three copies instead of two) of chr16:29,584,157-30,204,300 (620.1 kb, GRCh38 coordinates, 1-based), cytogenetic band 16p11.2.
Identifiers: ClinVar variation 5038290 (VCV005038290.1).